The following is an entry in ClinVar:

NM_005732.4(RAD50):c.3827T>G (p.Leu1276Arg)

Genes: RAD50 (RAD50 double strand break repair protein; plus strand), TH2LCRR (T helper type 2 locus control region associated RNA; minus strand). Cytogenetic location: 5q31.1.
Variant type: single nucleotide variant.
Coding change: c.3827T>G on transcript NM_005732.4 (MANE Select); coding-DNA position 3827, T replaced by G.
Protein change: p.Leu1276Arg; replaces leucine 1276 with arginine.
Molecular consequence: missense variant. On other transcripts: non-coding transcript variant (1).
Genome position (GRCh38, 1-based): chr5:132,642,252, T>G. VCF-style: chr5-132642252-T-G. GRCh37 (hg19) VCF-style: chr5-131977944-T-G.
Other names: short protein forms L1276R.
Identifiers: ClinVar variation 1735311 (VCV001735311.2), dbSNP rs2479440271, ClinGen allele CA360936715.
Genomic context (GRCh38, chr5:132,642,252, plus strand): 5'-GCTCACAGCAGCGTAACTTCCAGCTTCTGGTAATCACTCATGATGAAGATTTTGTGGAGC[T>G]TTTAGGACGTTCTGAATATGTGGAGAAATTCTACAGGATTAAAAAGAACATCGATCAGTG-3'
Protein context (NP_005723.2, residues 1266-1286): VITHDEDFVE[Leu1276Arg]LGRSEYVEKF

ClinVar aggregate classification (germline): Uncertain significance (1 of 4 stars; one submission).

Conditions:
Hereditary cancer-predisposing syndrome. Also called: Neoplastic Syndromes, Hereditary; Tumor predisposition; Hereditary Cancer Syndrome; Hereditary neoplastic syndrome. Identifiers: Orphanet 140162, MedGen C0027672, MeSH D009386, MONDO:0015356.

Submission:

Ambry Genetics
Classification: Uncertain significance for Hereditary cancer-predisposing syndrome. Last evaluated: 2020-03-04. Review status: criteria provided, single submitter. Criteria: Ambry Variant Classification Scheme 2023. Collection method: clinical testing. Allele origin: germline.
Comment: The p.L1276R variant (also known as c.3827T>G), located in coding exon 25 of the RAD50 gene, results from a T to G substitution at nucleotide position 3827. The leucine at codon 1276 is replaced by arginine, an amino acid with dissimilar properties. This amino acid position is highly conserved in available vertebrate species. In addition, this alteration is predicted to be deleterious by in silico analysis. Since supporting evidence is limited at this time, the clinical significance of this alteration remains unclear.